The following is an entry in ClinVar:

NM_006514.4(SCN10A):c.399T>A (p.Ser133Arg)

Gene: SCN10A (sodium voltage-gated channel alpha subunit 10; minus strand). Cytogenetic location: 3p22.2.
Variant type: single nucleotide variant.
Coding change: c.399T>A on transcript NM_006514.4 (MANE Select); coding-DNA position 399, T replaced by A.
Protein change: p.Ser133Arg; replaces serine 133 with arginine.
Molecular consequence: missense variant.
Genome position (GRCh38, 1-based): chr3:38,789,027, A>T on the plus strand (T>A on the coding strand, the complement: SCN10A is on the minus strand). VCF-style: chr3-38789027-A-T. GRCh37 (hg19) VCF-style: chr3-38830518-A-T.
Other names: c.399T>A, p.Ser133Arg (NM_001293306.2, NM_001293307.2); short protein forms S133R.
Identifiers: ClinVar variation 3665735 (VCV003665735.2).

ClinVar aggregate classification (germline): Uncertain significance (1 of 4 stars; one submission).

Conditions:
Brugada syndrome. Also called: Sudden unexpected nocturnal death syndrome; Sudden unexplained nocturnal death syndrome; Sudden Unexplained Death Syndrome; Sudden Unexplained Nocturnal Death Syndrome (SUNDS). Identifiers: Orphanet 130, MedGen C1142166, MONDO:0015263.

gnomAD v4.1: 1 of 1,609,020 alleles (0.000062%); highest among the groups gnomAD compares: Non-Finnish European, 0.000085%; no homozygotes.

Submission:

Labcorp Genetics (formerly Invitae), Labcorp
Classification: Uncertain significance for Brugada syndrome. Last evaluated: 2025-01-15. Review status: criteria provided, single submitter. Criteria: Invitae Variant Classification Sherloc (09022015). Collection method: clinical testing. Allele origin: germline.
Comment: This sequence change replaces serine, which is neutral and polar, with arginine, which is basic and polar, at codon 133 of the SCN10A protein (p.Ser133Arg). This variant is not present in population databases (gnomAD no frequency). This variant has not been reported in the literature in individuals affected with SCN10A-related conditions. Invitae Evidence Modeling of protein sequence and biophysical properties (such as structural, functional, and spatial information, amino acid conservation, physicochemical variation, residue mobility, and thermodynamic stability) indicates that this missense variant is not expected to disrupt SCN10A protein function with a negative predictive value of 80%. In summary, the available evidence is currently insufficient to determine the role of this variant in disease. Therefore, it has been classified as a Variant of Uncertain Significance.